The following is an entry in ClinVar:

ClinVar aggregate classification (germline): Likely pathogenic (1 of 4 stars; one submission).

Conditions:
Usher syndrome type 1B (USH1B). Also called: Usher syndrome type IB. Identifiers: MedGen C1848638, MONDO:0700087.

Submission:

Natera, Inc.
Classification: Likely pathogenic for Usher syndrome type 1B. Last evaluated: 2026-01-28. Review status: criteria provided, single submitter. Criteria: Natera Variant Classification Schema (03/2026). Collection method: clinical testing. Allele origin: germline.
Comment: The c.5017_5018del variant in MYO7A is a frameshift variant predicted to shift the reading frame beginning at codon 1673 and leads to a stop codon 47 codons downstream. This variant is expected to result in nonsense mediated decay, truncation, or a dysfunctional protein product. This variant is rare in the general population with a frequency below the threshold expected for the associated phenotype(s). Given the available evidence, this variant is classified as Likely Pathogenic.

NM_000260.4(MYO7A):c.5017_5018del (p.Val1673fs)

Gene: MYO7A (myosin VIIA; plus strand). Cytogenetic location: 11q13.5.
Variant type: Deletion.
Coding change: c.5017_5018del on transcript NM_000260.4 (MANE Select); coding-DNA positions 5017 to 5018, 2 bases deleted (GT; older notation c.5017_5018delGT).
Protein change: p.Val1673fs; shifts the reading frame from valine 1673.
Molecular consequence: frameshift variant.
Genome position (GRCh38, 1-based): chr11:77,201,612-77,201,613, GT deleted; deleting any 2 consecutive bases within chr11:77,201,611-77,201,613 gives the same sequence; the c. name uses the placement nearest the transcript's 3' end. VCF-style (leftmost placement, unchanged base first): chr11-77201610-CTG-C. GRCh37 (hg19) VCF-style: chr11-76912655-CTG-C.
Other names: c.4903_4904del, p.Val1635fs (NM_001127180.2); c.4870_4871del, p.Val1624fs (NM_001369365.1); short protein forms V1624fs, V1635fs, V1673fs.
Identifiers: ClinVar variation 4058141 (VCV004058141.2).